The following is an entry in ClinVar:

ClinVar aggregate classification (germline): Conflicting classifications of pathogenicity. Review status: criteria provided, conflicting classifications (1 of 4 stars). 3 submissions from 3 submitters: Uncertain significance (2); Likely benign (1). Last evaluated 2025-06-28.

Conditions:
Cardiovascular phenotype. Identifiers: MedGen CN230736.
Long QT syndrome (LQTS). Identifiers: MedGen C0023976, MeSH D008133, MONDO:0002442. Disease mechanism: loss of function. Inheritance: Various modes of inheritance.

Allele frequency attached by ClinVar (database versions not stated): gnomAD exomes 0.00002; gnomAD 0.00005.
gnomAD v4.1: 93 of 1,613,648 alleles (0.0058%); highest among the groups gnomAD compares: Non-Finnish European, 0.0069%; 1 homozygote.

Submissions (3):

Ambry Genetics
Classification: Uncertain significance for Cardiovascular phenotype. Last evaluated: 2025-06-28. Review status: criteria provided, single submitter. Criteria: Ambry Variant Classification Scheme 2023. Collection method: clinical testing. Allele origin: germline.
Comment: The p.Q97E variant (also known as c.289C>G), located in coding exon 2 of the AKAP9 gene, results from a C to G substitution at nucleotide position 289. The glutamine at codon 97 is replaced by glutamic acid, an amino acid with highly similar properties. This amino acid position is not well conserved in available vertebrate species. In addition, this alteration is predicted to be tolerated by in silico analysis. The evidence for this gene-disease relationship is limited; therefore, the clinical significance of this alteration is unclear.

Labcorp Genetics (formerly Invitae), Labcorp
Classification: Uncertain significance for Long QT syndrome. Last evaluated: 2025-03-12. Review status: criteria provided, single submitter. Criteria: Invitae Variant Classification Sherloc (09022015). Collection method: clinical testing. Allele origin: germline.
Comment: This sequence change replaces glutamine, which is neutral and polar, with glutamic acid, which is acidic and polar, at codon 97 of the AKAP9 protein (p.Gln97Glu). The frequency data for this variant in the population databases is considered unreliable, as metrics indicate poor data quality at this position in the gnomAD database. This variant has not been reported in the literature in individuals affected with AKAP9-related conditions. ClinVar contains an entry for this variant (Variation ID: 190502). An algorithm developed to predict the effect of missense changes on protein structure and function outputs the following: PolyPhen-2: "Benign". The glutamic acid amino acid residue is found in multiple mammalian species, which suggests that this missense change does not adversely affect protein function. In summary, the available evidence is currently insufficient to determine the role of this variant in disease. Therefore, it has been classified as a Variant of Uncertain Significance.

GeneDx
Classification: Likely benign. Last evaluated: 2011-08-01. Review status: criteria provided, single submitter. Criteria: GeneDx Variant Classification (06012015). Collection method: clinical testing. Allele origin: germline. Affected: yes.
Comment: This variant is considered likely benign or benign based on one or more of the following criteria: it is a conservative change, it occurs at a poorly conserved position in the protein, it is predicted to be benign by multiple in silico algorithms, and/or has population frequency not consistent with disease.

NM_005751.5(AKAP9):c.289C>G (p.Gln97Glu)

Gene: AKAP9 (A-kinase anchoring protein 9; plus strand). Cytogenetic location: 7q21.2.
Variant type: single nucleotide variant.
Coding change: c.289C>G on transcript NM_005751.5 (MANE Select); coding-DNA position 289, C replaced by G.
Protein change: p.Gln97Glu; replaces glutamine 97 with glutamic acid.
Molecular consequence: missense variant.
Genome position (GRCh38, 1-based): chr7:91,973,951, C>G. VCF-style: chr7-91973951-C-G. GRCh37 (hg19) VCF-style: chr7-91603265-C-G.
Other names: p.Q97E:CAG>GAG; c.289C>G, p.Gln97Glu (NM_147185.3); short protein forms Q97E.
Identifiers: ClinVar variation 190502 (VCV000190502.13), dbSNP rs786205712, ClinGen allele CA300654.